The following is an entry in ClinVar:

NM_000051.4(ATM):c.5369A>G (p.Asp1790Gly)

Gene: ATM (ATM serine/threonine kinase; plus strand). Cytogenetic location: 11q22.3.
Variant type: single nucleotide variant.
Coding change: c.5369A>G on transcript NM_000051.4 (MANE Select); coding-DNA position 5369, A replaced by G.
Protein change: p.Asp1790Gly; replaces aspartic acid 1790 with glycine.
Molecular consequence: missense variant.
Genome position (GRCh38, 1-based): chr11:108,302,902, A>G. VCF-style: chr11-108302902-A-G. GRCh37 (hg19) VCF-style: chr11-108173629-A-G.
Other names: c.5369A>G, p.Asp1790Gly (NM_001351834.2); short protein forms D1790G.
Identifiers: ClinVar variation 631466 (VCV000631466.26), dbSNP rs746945284, ClinGen allele CA6265694.

ClinVar aggregate classification (germline): Conflicting classifications of pathogenicity. Review status: criteria provided, conflicting classifications (1 of 4 stars). 7 submissions from 7 submitters: Uncertain significance (5); Likely benign (1). 1 of the submissions does not count toward it. Last evaluated 2025-06-30.

Conditions:
Ataxia-telangiectasia syndrome (AT). Also called: Ataxia-telangiectasia, complementation group D; AT, COMPLEMENTATION GROUP C; Ataxia-telangiectasia; ATAXIA-TELANGIECTASIA, COMPLEMENTATION GROUP A; ATAXIA-TELANGIECTASIA, FRESNO VARIANT; LOUIS-BAR SYNDROME. Identifiers: Orphanet 100, MedGen C0004135, MONDO:0008840, OMIM 208900.
Hereditary cancer-predisposing syndrome. Also called: Hereditary Cancer Syndrome; Neoplastic Syndromes, Hereditary; Tumor predisposition; Hereditary neoplastic syndrome. Identifiers: Orphanet 140162, MedGen C0027672, MeSH D009386, MONDO:0015356.
Familial cancer of breast. Also called: BREAST CANCER, FAMILIAL; hereditary breast carcinoma; Hereditary breast cancer. Identifiers: Orphanet 227535, MedGen C0346153, MONDO:0016419, OMIM 114480. Disease mechanism: loss of function.

Allele frequency attached by ClinVar (database versions not stated): gnomAD exomes 0.00001 and 0.00002; ExAC 0.00002.
gnomAD v4.1: 6 of 1,613,404 alleles (0.00037%); highest among the groups gnomAD compares: East Asian, 0.013%; no homozygotes.

Submissions (7):

Women's Health and Genetics/Laboratory Corporation of America, LabCorp
Classification: Uncertain significance. Last evaluated: 2025-06-30. Review status: criteria provided, single submitter. Criteria: LabCorp Variant Classification Summary - May 2015. Collection method: clinical testing. Allele origin: germline.
Comment: Variant summary: ATM c.5369A>G (p.Asp1790Gly) results in a non-conservative amino acid change in the encoded protein sequence. Algorithms developed to predict the effect of missense changes on protein structure and function are either unavailable or do not agree on the potential impact of this missense change. The variant allele was found at a frequency of 1.6e-05 in 250996 control chromosomes. The available data on variant occurrences in the general population are insufficient to allow any conclusion about variant significance. c.5369A>G has been observed in individual(s) affected with Breast Cancer (Kasugai_2022). These report(s) do not provide unequivocal conclusions about association of the variant with Breast Cancer. To our knowledge, no experimental evidence demonstrating an impact on protein function has been reported. The following publication have been ascertained in the context of this evaluation (PMID: 35218119). ClinVar contains an entry for this variant (Variation ID: 631466). Based on the evidence outlined above, the variant was classified as uncertain significance.

Color Diagnostics, LLC DBA Color Health
Classification: Likely benign for Hereditary cancer-predisposing syndrome. Last evaluated: 2025-05-28. Review status: criteria provided, single submitter. Criteria: ACMG Guidelines, 2015. Collection method: clinical testing. Allele origin: germline.

Ambry Genetics
Classification: Uncertain significance for Hereditary cancer-predisposing syndrome. Last evaluated: 2025-05-12. Review status: criteria provided, single submitter. Criteria: Ambry Variant Classification Scheme 2023. Collection method: clinical testing. Allele origin: germline.
Comment: The p.D1790G variant (also known as c.5369A>G), located in coding exon 35 of the ATM gene, results from an A to G substitution at nucleotide position 5369. The aspartic acid at codon 1790 is replaced by glycine, an amino acid with similar properties. This alteration has been reported with a carrier frequency of 0.00057 in 7051 unselected breast cancer patients and 0.00053 in 11241 female controls of Japanese ancestry (Momozawa Y et al. Nat Commun, 2018 10;9:4083). This alteration has also been reported with a carrier frequency of 0.00013 in 7636 unselected prostate cancer patients and 0.00024 in 12366 male controls of Japanese ancestry (Momozawa Y et al. J Natl Cancer Inst, 2020 Apr;112:369-376). This amino acid position is highly conserved in available vertebrate species. In addition, the in silico prediction for this alteration is inconclusive. Based on the available evidence, the clinical significance of this variant remains unclear.

Labcorp Genetics (formerly Invitae), Labcorp
Classification: Uncertain significance for Ataxia-telangiectasia syndrome. Last evaluated: 2024-06-19. Review status: criteria provided, single submitter. Criteria: Invitae Variant Classification Sherloc (09022015). Collection method: clinical testing. Allele origin: germline.
Comment: This sequence change replaces aspartic acid, which is acidic and polar, with glycine, which is neutral and non-polar, at codon 1790 of the ATM protein (p.Asp1790Gly). This variant is present in population databases (rs746945284, gnomAD 0.02%). This missense change has been observed in individual(s) with breast cancer (PMID: 30287823, 35218119). ClinVar contains an entry for this variant (Variation ID: 631466). An algorithm developed to predict the effect of missense changes on protein structure and function (PolyPhen-2) suggests that this variant is likely to be tolerated. In summary, the available evidence is currently insufficient to determine the role of this variant in disease. Therefore, it has been classified as a Variant of Uncertain Significance.

Baylor Genetics
Classification: Uncertain significance for Familial cancer of breast. Last evaluated: 2023-07-25. Review status: criteria provided, single submitter. Criteria: ACMG Guidelines, 2015. Collection method: clinical testing. Allele origin: unknown.

GeneDx
Classification: Uncertain significance. Last evaluated: 2020-02-03. Review status: criteria provided, single submitter. Criteria: GeneDx Variant Classification Process June 2021. Collection method: clinical testing. Allele origin: germline. Affected: yes.
Comment: In silico analysis supports that this missense variant does not alter protein structure/function; Case control studies suggest this variant is not significantly associated with breast cancer (Momozawa 2018); This variant is associated with the following publications: (PMID: 29338689, 30287823)

Natera, Inc.
Classification: Uncertain significance for Ataxia-telangiectasia. Last evaluated: 2021-07-19. Review status: no assertion criteria provided. Collection method: clinical testing. Allele origin: germline. Not counted in ClinVar's aggregate classification.

Literature cited by the submitters: PubMed 35218119 (cited by Women's Health and Genetics/Laboratory Corporation of America, LabCorp and Labcorp Genetics (formerly Invitae), Labcorp); PubMed 30287823 (cited by Ambry Genetics and Labcorp Genetics (formerly Invitae), Labcorp); PubMed 31214711 (cited by Ambry Genetics).